The following is an entry in ClinVar:

ClinVar aggregate classification (germline): Conflicting classifications of pathogenicity. Review status: criteria provided, conflicting classifications (1 of 4 stars). 3 submissions from 3 submitters: Uncertain significance (1); Likely benign (2). Last evaluated 2025-11-12.

Conditions:
Naxos disease (NXD). Also called: PALMOPLANTAR KERATODERMA WITH ARRHYTHMOGENIC RIGHT VENTRICULAR CARDIOMYOPATHY AND WOOLLY HAIR; WOOLLY HAIR, PALMOPLANTAR KERATODERMA, AND CARDIAC ABNORMALITIES; CARDIOMYOPATHY, ARRHYTHMOGENIC RIGHT VENTRICULAR, WITH SKIN, HAIR, AND NAIL ABNORMALITIES; KERATOSIS PALMOPLANTARIS WITH ARRHYTHMOGENIC CARDIOMYOPATHY; MAL DE NAXOS. Identifiers: Orphanet 34217, MedGen C1832600, MONDO:0011017, OMIM 601214.
Arrhythmogenic right ventricular dysplasia 12. Also called: ARRHYTHMOGENIC RIGHT VENTRICULAR DYSPLASIA, FAMILIAL, 12. Identifiers: MedGen C1969081, MONDO:0012684, OMIM 611528.

Allele frequency attached by ClinVar (database versions not stated): ExAC 0.00001; gnomAD 0.00001; gnomAD exomes 0.00002 and 0.00003; TOPMed 0.00002; ESP Exome Variant Server 0.00008.
gnomAD v4.1: 46 of 1,613,694 alleles (0.0029%); highest among the groups gnomAD compares: Non-Finnish European, 0.0037%; no homozygotes.

Submissions (3):

Labcorp Genetics (formerly Invitae), Labcorp
Classification: Uncertain significance for Arrhythmogenic right ventricular dysplasia 12; Naxos disease. Last evaluated: 2025-11-12. Review status: criteria provided, single submitter. Criteria: Invitae Variant Classification Sherloc (09022015). Collection method: clinical testing. Allele origin: germline.
Comment: This sequence change affects codon 640 of the JUP mRNA. It is a 'silent' change, meaning that it does not change the encoded amino acid sequence of the JUP protein. This variant is present in population databases (rs376699725, gnomAD 0.007%). This variant has not been reported in the literature in individuals affected with JUP-related conditions. ClinVar contains an entry for this variant (Variation ID: 515959). Algorithms developed to predict the effect of sequence changes on RNA splicing suggest that this variant may create or strengthen a splice site. In summary, the available evidence is currently insufficient to determine the role of this variant in disease. Therefore, it has been classified as a Variant of Uncertain Significance.

Blueprint Genetics
Classification: Likely benign. Last evaluated: 2022-03-24. Review status: criteria provided, single submitter. Criteria: ACMG Guidelines, 2015. Collection method: clinical testing. Allele origin: germline.

GeneDx
Classification: Likely benign. Last evaluated: 2018-03-06. Review status: criteria provided, single submitter. Criteria: GeneDx Variant Classification (06012015). Collection method: clinical testing. Allele origin: germline. Affected: yes.
Comment: This variant is considered likely benign or benign based on one or more of the following criteria: it is a conservative change, it occurs at a poorly conserved position in the protein, it is predicted to be benign by multiple in silico algorithms, and/or has population frequency not consistent with disease.

NM_002230.4(JUP):c.1920C>T (p.Gly640=)

Gene: JUP (junction plakoglobin; minus strand). Cytogenetic location: 17q21.2.
Variant type: single nucleotide variant.
Coding change: c.1920C>T on transcript NM_002230.4 (MANE Select); coding-DNA position 1920, C replaced by T.
Protein change: p.Gly640=; no amino-acid change (glycine 640 retained).
Molecular consequence: synonymous variant.
Genome position (GRCh38, 1-based): chr17:41,757,638, G>A on the plus strand (C>T on the coding strand, the complement: JUP is on the minus strand). VCF-style: chr17-41757638-G-A. GRCh37 (hg19) VCF-style: chr17-39913890-G-A.
Other names: c.1920C>T, p.Gly640= (NM_001352773.2, NM_001352774.2, NM_001352775.2 and 3 more transcripts).
Identifiers: ClinVar variation 515959 (VCV000515959.10), dbSNP rs376699725, ClinGen allele CA8565087.
Genomic context (GRCh38, chr17:41,757,638, plus strand): 5'-AGCCTCCATCGTGGCTGGGGGAGTGGGACCCAGCCTCCTGCCCTCCCCCAGCTCACCAGT[G>A]CCCTCGTTGCGGGAGTGCAGCAACTCCATGAGTGGGGCCGAGGCCCCCTCTGCATCAATG-3'
Protein context (NP_002221.1, residues 630-650): LMELLHSRNE[Gly640=]TATYAAAVLF